The following is an entry in ClinVar:

ClinVar aggregate classification (germline): Uncertain significance (1 of 4 stars; one submission).

Submission:

Ambry Genetics
Classification: Uncertain significance. Last evaluated: 2023-10-27. Review status: criteria provided, single submitter. Criteria: Ambry Variant Classification Scheme 2023. Collection method: clinical testing. Allele origin: germline.
Comment: The p.S1496C variant (also known as c.4487C>G), located in coding exon 40 of the KIF1B gene, results from a C to G substitution at nucleotide position 4487. The serine at codon 1496 is replaced by cysteine, an amino acid with dissimilar properties. This amino acid position is conserved. In addition, the in silico prediction for this alteration is inconclusive. Since supporting evidence is limited at this time, the clinical significance of this alteration remains unclear.

NM_001365951.3(KIF1B):c.4625C>G (p.Ser1542Cys)

Gene: KIF1B (kinesin family member 1B; plus strand). Cytogenetic location: 1p36.22.
Variant type: single nucleotide variant.
Coding change: c.4625C>G on transcript NM_001365951.3 (MANE Select); coding-DNA position 4625, C replaced by G.
Protein change: p.Ser1542Cys; replaces serine 1542 with cysteine.
Molecular consequence: missense variant.
Genome position (GRCh38, 1-based): chr1:10,365,521, C>G. VCF-style: chr1-10365521-C-G. GRCh37 (hg19) VCF-style: chr1-10425579-C-G.
Other names: c.4625C>G, p.Ser1542Cys (NM_001365952.1); c.4487C>G, p.Ser1496Cys (NM_015074.3); short protein forms S1496C, S1542C.
Identifiers: ClinVar variation 3226502 (VCV003226502.1), dbSNP rs2521915162, ClinGen allele CA338322069.